The following is an entry in ClinVar:

ClinVar aggregate classification (germline): Uncertain significance (1 of 4 stars; one submission).

Conditions:
Hereditary cancer-predisposing syndrome. Also called: Hereditary Cancer Syndrome; Tumor predisposition; Hereditary neoplastic syndrome; Neoplastic Syndromes, Hereditary. Identifiers: Orphanet 140162, MedGen C0027672, MeSH D009386, MONDO:0015356.

Submission:

Ambry Genetics
Classification: Uncertain significance for Hereditary cancer-predisposing syndrome. Last evaluated: 2024-06-07. Review status: criteria provided, single submitter. Criteria: Ambry Variant Classification Scheme 2023. Collection method: clinical testing. Allele origin: germline.
Comment: The p.G28R variant (also known as c.82G>A), located in coding exon 1 of the AXIN2 gene, results from a G to A substitution at nucleotide position 82. The glycine at codon 28 is replaced by arginine, an amino acid with dissimilar properties. This amino acid position is conserved. In addition, the in silico prediction for this alteration is inconclusive. Based on the available evidence, the clinical significance of this variant remains unclear.

NM_004655.4(AXIN2):c.82G>A (p.Gly28Arg)

Gene: AXIN2 (axin 2; minus strand). Cytogenetic location: 17q24.1.
Variant type: single nucleotide variant.
Coding change: c.82G>A on transcript NM_004655.4 (MANE Select); coding-DNA position 82, G replaced by A.
Protein change: p.Gly28Arg; replaces glycine 28 with arginine.
Molecular consequence: missense variant.
Genome position (GRCh38, 1-based): chr17:65,558,539, C>T on the plus strand (G>A on the coding strand, the complement: AXIN2 is on the minus strand). VCF-style: chr17-65558539-C-T. GRCh37 (hg19) VCF-style: chr17-63554657-C-T.
Other names: c.82G>A, p.Gly28Arg (NM_001363813.1); short protein forms G28R.
Identifiers: ClinVar variation 3258249 (VCV003258249.1).
Genomic context (GRCh38, chr17:65,558,539, plus strand): 5'-GTTTGGTGACCTGGCCCTTGCCCACCCCTGGCTGACACGGTGGGGTCTCCCCTTCTTCCC[C>T]TGGCACTGGGGGCCGCGGGGCATCCTCACGGAAGCTGCTGCTGGGGTCCGGGAGGCAAGT-3'
Protein context (NP_004646.3, residues 18-38): REDAPRPPVP[Gly28Arg]EEGETPPCQP